The following is an entry in ClinVar:

NM_000215.4(JAK3):c.110C>G (p.Pro37Arg)

Gene: JAK3 (Janus kinase 3; minus strand). Cytogenetic location: 19p13.11.
Variant type: single nucleotide variant.
Coding change: c.110C>G on transcript NM_000215.4 (MANE Select); coding-DNA position 110, C replaced by G.
Protein change: p.Pro37Arg; replaces proline 37 with arginine.
Molecular consequence: missense variant.
Genome position (GRCh38, 1-based): chr19:17,844,308, G>C on the plus strand (C>G on the coding strand, the complement: JAK3 is on the minus strand). VCF-style: chr19-17844308-G-C. GRCh37 (hg19) VCF-style: chr19-17955117-G-C.
Other names: short protein forms P37R.
Identifiers: ClinVar variation 1006935 (VCV001006935.6), dbSNP rs200960683, ClinGen allele CA9302263.

ClinVar aggregate classification (germline): Uncertain significance (1 of 4 stars; one submission).

Conditions:
T-B+ severe combined immunodeficiency due to JAK3 deficiency. Also called: SCID, T CELL-NEGATIVE, B CELL-POSITIVE, NK CELL-NEGATIVE; SCID, autosomal recessive, T-negative/B-positive type. Identifiers: Orphanet 35078, MedGen C1833275, MONDO:0010938, OMIM 600802.

Allele frequency attached by ClinVar (database versions not stated): gnomAD exomes below 0.00001; TOPMed below 0.00001; ExAC 0.00001; gnomAD 0.00001.

Submission:

Labcorp Genetics (formerly Invitae), Labcorp
Classification: Uncertain significance for T-B+ severe combined immunodeficiency due to JAK3 deficiency. Last evaluated: 2021-08-26. Review status: criteria provided, single submitter. Criteria: Invitae Variant Classification Sherloc (09022015). Collection method: clinical testing. Allele origin: germline.
Comment: This sequence change replaces proline with arginine at codon 37 of the JAK3 protein (p.Pro37Arg). The proline residue is moderately conserved and there is a moderate physicochemical difference between proline and arginine. This variant is present in population databases (rs200960683, ExAC 0.002%). This variant has not been reported in the literature in individuals affected with JAK3-related conditions. Algorithms developed to predict the effect of missense changes on protein structure and function are either unavailable or do not agree on the potential impact of this missense change (SIFT: "Deleterious"; PolyPhen-2: "Possibly Damaging"; Align-GVGD: "Class C0"). In summary, the available evidence is currently insufficient to determine the role of this variant in disease. Therefore, it has been classified as a Variant of Uncertain Significance.